The following is an entry in ClinVar:

NM_001318841.2(ZBTB7C):c.1743C>T (p.Asn581=)

Gene: ZBTB7C (zinc finger and BTB domain containing 7C; minus strand). Cytogenetic location: 18q21.1.
Variant type: single nucleotide variant.
Coding change: c.1743C>T on transcript NM_001318841.2 (MANE Select); coding-DNA position 1743, C replaced by T.
Protein change: p.Asn581=; no amino-acid change (asparagine 581 retained).
Molecular consequence: synonymous variant.
Genome position (GRCh38, 1-based): chr18:48,029,377, G>A on the plus strand (C>T on the coding strand, the complement: ZBTB7C is on the minus strand). VCF-style: chr18-48029377-G-A. GRCh37 (hg19) VCF-style: chr18-45555748-G-A.
Other names: c.1743C>T, p.Asn581= (NM_001039360.3, NM_001371284.1, NM_001371285.1 and 5 more transcripts).
Identifiers: ClinVar variation 791653 (VCV000791653.28), dbSNP rs186779400, ClinGen allele CA8956385.

ClinVar aggregate classification (germline): Benign/Likely benign. Review status: criteria provided, multiple submitters, no conflicts (2 of 4 stars). 3 submissions from 3 submitters: Benign (2); Likely benign (1). Last evaluated 2022-11-01.

Allele frequency attached by ClinVar (database versions not stated): 1000 Genomes Project 0.00060; ESP Exome Variant Server 0.00091; 1000 Genomes Project 30x 0.00094; gnomAD 0.00149 and 0.00156; gnomAD exomes 0.00181; TOPMed 0.00194.
gnomAD v4.1: 3,133 of 1,555,300 alleles (0.2%); highest among the groups gnomAD compares: Admixed American, 0.36%; 5 homozygotes.

Submissions (3):

CeGaT Center for Human Genetics Tuebingen
Classification: Likely benign. Last evaluated: 2022-11-01. Review status: criteria provided, single submitter. Criteria: CeGaT Center For Human Genetics Tuebingen Variant Classification Criteria Version 2. Collection method: clinical testing. Allele origin: germline. Affected: yes. Observed: 1 variant allele.
Comment: ZBTB7C: BP4, BP7

Labcorp Genetics (formerly Invitae), Labcorp
Classification: Benign. Last evaluated: 2018-05-21. Review status: criteria provided, single submitter. Criteria: Invitae Variant Classification Sherloc (09022015). Collection method: clinical testing. Allele origin: germline.

Breakthrough Genomics
Classification: Benign. Review status: criteria provided, single submitter. Criteria: ACMG Guidelines, 2015. Collection method: not provided. Allele origin: germline. Inheritance: Unknown mechanism. Affected: yes.